The following is an entry in ClinVar:

ClinVar aggregate classification (germline): Pathogenic. Review status: criteria provided, multiple submitters, no conflicts (2 of 4 stars). 2 submissions from 2 submitters: Pathogenic (2). Last evaluated 2026-01-27.

Conditions:
Hereditary cancer-predisposing syndrome. Also called: Neoplastic Syndromes, Hereditary; Hereditary neoplastic syndrome; Tumor predisposition; Hereditary Cancer Syndrome. Identifiers: Orphanet 140162, MedGen C0027672, MeSH D009386, MONDO:0015356.
Familial cancer of breast. Also called: Hereditary breast cancer; BREAST CANCER, FAMILIAL; hereditary breast carcinoma. Identifiers: Orphanet 227535, MedGen C0346153, MONDO:0016419, OMIM 114480. Disease mechanism: loss of function.

Submissions (2):

Ambry Genetics
Classification: Pathogenic for Hereditary cancer-predisposing syndrome. Last evaluated: 2026-01-27. Review status: criteria provided, single submitter. Criteria: Ambry Variant Classification Scheme 2023. Collection method: clinical testing. Allele origin: germline.
Comment: The c.168delT pathogenic mutation, located in coding exon 2 of the BARD1 gene, results from a deletion of one nucleotide at nucleotide position 168, causing a translational frameshift with a predicted alternate stop codon (p.L57*). This variant is considered to be rare based on population cohorts in the Genome Aggregation Database (gnomAD). This alteration is expected to result in loss of function by premature protein truncation or nonsense-mediated mRNA decay. As such, this alteration is interpreted as a disease-causing mutation.

Labcorp Genetics (formerly Invitae), Labcorp
Classification: Pathogenic for Familial cancer of breast. Last evaluated: 2020-03-12. Review status: criteria provided, single submitter. Criteria: Invitae Variant Classification Sherloc (09022015). Collection method: clinical testing. Allele origin: germline.
Comment: This variant has not been reported in the literature in individuals with BARD1-related conditions. ClinVar contains an entry for this variant (Variation ID: 657480). This variant is not present in population databases (ExAC no frequency). This sequence change creates a premature translational stop signal (p.Leu57*) in the BARD1 gene. It is expected to result in an absent or disrupted protein product. Loss-of-function variants in BARD1 are known to be pathogenic (PMID: 20077502, 21344236). For these reasons, this variant has been classified as Pathogenic.

Literature cited by the submitters: PubMed 20077502 (cited by Labcorp Genetics (formerly Invitae), Labcorp); PubMed 21344236 (cited by Labcorp Genetics (formerly Invitae), Labcorp).

NM_000465.4(BARD1):c.168del (p.Ile56_Leu57insTer)

Gene: BARD1 (BRCA1 associated RING domain 1; minus strand). Cytogenetic location: 2q35.
Variant type: Deletion.
Coding change: c.168del on transcript NM_000465.4 (MANE Select); coding-DNA position 168, one base deleted (T; older notation c.168delT).
Protein change: p.Ile56_Leu57insTer.
Molecular consequence: frameshift variant. On other transcripts: non-coding transcript variant (2), intron variant (2).
Genome position (GRCh38, 1-based): chr2:214,797,108, A deleted on the plus strand (T on the coding strand, the reverse complement: BARD1 is on the minus strand); the first of 2 consecutive A bases (chr2:214,797,108-214,797,109); deleting either gives the same sequence. VCF-style (leftmost placement, unchanged base first): chr2-214797107-GA-G. GRCh37 (hg19) VCF-style: chr2-215661831-GA-G.
Other names: c.168del, p.Ile56_Leu57insTer (NM_001282545.2, NM_001282549.2); c.158+12304del (NM_001282548.2); c.159-4663del (NM_001282543.2); c.168delT (NM_000465.2).
Identifiers: ClinVar variation 657480 (VCV000657480.8), dbSNP rs1574847428, ClinGen allele CA915941702.